The following is an entry in ClinVar:

ClinVar aggregate classification (germline): Likely benign. Review status: criteria provided, multiple submitters, no conflicts (2 of 4 stars). 3 submissions from 3 submitters: Likely benign (2). 1 of the submissions does not count toward it. Last evaluated 2025-12-31.

Conditions:
CCDC88C-related disorder. Also called: CCDC88C-related condition; CCDC88C-Related Disorders.

Allele frequency attached by ClinVar (database versions not stated): gnomAD exomes 0.00001; gnomAD 0.00005; ExAC 0.00002; TOPMed 0.00004.
gnomAD v4.1: 80 of 1,613,790 alleles (0.005%); highest among the groups gnomAD compares: Middle Eastern, 0.033%; no homozygotes.

Submissions (3):

Labcorp Genetics (formerly Invitae), Labcorp
Classification: Likely benign. Last evaluated: 2025-12-31. Review status: criteria provided, single submitter. Criteria: Invitae Variant Classification Sherloc (09022015). Collection method: clinical testing. Allele origin: germline.

Breakthrough Genomics
Classification: Likely benign. Review status: criteria provided, single submitter. Criteria: ACMG Guidelines, 2015. Collection method: not provided. Allele origin: germline. Inheritance: Autosomal recessive inheritance. Affected: yes.

PreventionGenetics, part of Exact Sciences
Classification: Likely benign for CCDC88C-related condition. Last evaluated: 2019-03-11. Review status: no assertion criteria provided. Collection method: clinical testing. Allele origin: germline. Not counted in ClinVar's aggregate classification.
Comment: This variant is classified as likely benign based on ACMG/AMP sequence variant interpretation guidelines (Richards et al. 2015 PMID: 25741868, with internal and published modifications).

NM_001080414.4(CCDC88C):c.2613G>A (p.Ala871=)

Gene: CCDC88C (coiled-coil and HOOK domain protein 88C; minus strand). Cytogenetic location: 14q32.11.
Variant type: single nucleotide variant.
Coding change: c.2613G>A on transcript NM_001080414.4 (MANE Select); coding-DNA position 2613, G replaced by A.
Protein change: p.Ala871=; no amino-acid change (alanine 871 retained).
Molecular consequence: synonymous variant.
Genome position (GRCh38, 1-based): chr14:91,313,203, C>T on the plus strand (G>A on the coding strand, the complement: CCDC88C is on the minus strand). VCF-style: chr14-91313203-C-T. GRCh37 (hg19) VCF-style: chr14-91779547-C-T.
Identifiers: ClinVar variation 740753 (VCV000740753.9), dbSNP rs760184659, ClinGen allele CA7309603.